The following is an entry in ClinVar:

ClinVar aggregate classification (germline): Uncertain significance (1 of 4 stars; one submission).

Conditions:
Hereditary spastic paraplegia 30. Identifiers: Orphanet 101010, MedGen C5235139, MONDO:0012476.
Neuropathy, hereditary sensory, type 2C. Also called: Hereditary sensory and autonomic neuropathy type IIC; KIF1A-Related HSAN2 (HSAN2C). Identifiers: Orphanet 970, MedGen C3280168, MONDO:0013634, OMIM 614213.
Intellectual disability, autosomal dominant 9 (NESCAVS). Also called: NESCAV SYNDROME; KIF1A-Related Neurodevelopmental Disorder. Identifiers: Orphanet 662367, MedGen C5393830, MONDO:0013656, OMIM 614255.

gnomAD v4.1: 1 of 1,604,218 alleles (0.000062%); highest among the groups gnomAD compares: Non-Finnish European, 0.000085%; no homozygotes.

Submission:

Labcorp Genetics (formerly Invitae), Labcorp
Classification: Uncertain significance for Hereditary spastic paraplegia 30; Neuropathy, hereditary sensory, type 2C; Intellectual disability, autosomal dominant 9. Last evaluated: 2025-10-01. Review status: criteria provided, single submitter. Criteria: Invitae Variant Classification Sherloc (09022015). Collection method: clinical testing. Allele origin: germline.
Comment: This sequence change replaces glycine, which is neutral and non-polar, with aspartic acid, which is acidic and polar, at codon 972 of the KIF1A protein (p.Gly972Asp). This variant is not present in population databases (gnomAD no frequency). This variant has not been reported in the literature in individuals affected with KIF1A-related conditions. ClinVar contains an entry for this variant (Variation ID: 1384099). Invitae Evidence Modeling of protein sequence and biophysical properties (such as structural, functional, and spatial information, amino acid conservation, physicochemical variation, residue mobility, and thermodynamic stability) indicates that this missense variant is not expected to disrupt KIF1A protein function with a negative predictive value of 95%. In summary, the available evidence is currently insufficient to determine the role of this variant in disease. Therefore, it has been classified as a Variant of Uncertain Significance.

NM_001244008.2(KIF1A):c.3218G>A (p.Gly1073Asp)

Gene: KIF1A (kinesin family member 1A; minus strand). Cytogenetic location: 2q37.3.
Variant type: single nucleotide variant.
Coding change: c.3218G>A on transcript NM_001244008.2 (MANE Select); coding-DNA position 3218, G replaced by A.
Protein change: p.Gly1073Asp; replaces glycine 1073 with aspartic acid.
Molecular consequence: missense variant.
Genome position (GRCh38, 1-based): chr2:240,745,894, C>T on the plus strand (G>A on the coding strand, the complement: KIF1A is on the minus strand). VCF-style: chr2-240745894-C-T. GRCh37 (hg19) VCF-style: chr2-241685311-C-T.
Other names: c.2942G>A, p.Gly981Asp (NM_001320705.2, NM_001330289.2, NM_001379638.1); c.3017G>A, p.Gly1006Asp (NM_001330290.2, NM_001379634.1, NM_001379635.1 and 1 more transcripts); c.3293G>A, p.Gly1098Asp (NM_001379631.1); c.3167G>A, p.Gly1056Asp (NM_001379632.1); c.3191G>A, p.Gly1064Asp (NM_001379633.1, NM_001379642.1, NM_001379645.1); c.2915G>A, p.Gly972Asp (NM_001379636.1, NM_001379639.1, NM_001379641.1 and 5 more transcripts); c.2990G>A, p.Gly997Asp (NM_001379637.1, NM_001379648.1); c.2912G>A, p.Gly971Asp (NM_001379640.1); short protein forms G1056D, G1098D, G971D, G1006D, G972D, G981D, G1064D, G1073D.
Identifiers: ClinVar variation 1384099 (VCV001384099.6), dbSNP rs755669671, ClinGen allele CA2207864.